The following is an entry in ClinVar:

ClinVar aggregate classification (germline): Uncertain significance. Review status: criteria provided, multiple submitters, no conflicts (2 of 4 stars). 3 submissions from 3 submitters: Uncertain significance (3). Last evaluated 2025-05-06.

Conditions:
Mitral valve prolapse, myxomatous 2. Also called: Mitral valve prolapse 2; MMVP2. Identifiers: MedGen C1843003, MONDO:0011915, OMIM 607829.
Inborn genetic diseases. Identifiers: MedGen C0950123, MeSH D030342.

Allele frequency attached by ClinVar (database versions not stated): TOPMed 0.00002.

Submissions (3):

Labcorp Genetics (formerly Invitae), Labcorp
Classification: Uncertain significance. Last evaluated: 2025-05-06. Review status: criteria provided, single submitter. Criteria: Invitae Variant Classification Sherloc (09022015). Collection method: clinical testing. Allele origin: germline.
Comment: This sequence change replaces alanine, which is neutral and non-polar, with serine, which is neutral and polar, at codon 1937 of the DCHS1 protein (p.Ala1937Ser). The frequency data for this variant in the population databases is considered unreliable, as metrics indicate poor data quality at this position in the gnomAD database. This variant has not been reported in the literature in individuals affected with DCHS1-related conditions. ClinVar contains an entry for this variant (Variation ID: 1033607). Invitae Evidence Modeling of protein sequence and biophysical properties (such as structural, functional, and spatial information, amino acid conservation, physicochemical variation, residue mobility, and thermodynamic stability) indicates that this missense variant is not expected to disrupt DCHS1 protein function with a negative predictive value of 80%. In summary, the available evidence is currently insufficient to determine the role of this variant in disease. Therefore, it has been classified as a Variant of Uncertain Significance.

Ambry Genetics
Classification: Uncertain significance for Inborn genetic diseases. Last evaluated: 2023-12-19. Review status: criteria provided, single submitter. Criteria: Ambry Variant Classification Scheme 2023. Collection method: clinical testing. Allele origin: germline.

Baylor Genetics
Classification: Uncertain significance for Mitral valve prolapse, myxomatous 2. Last evaluated: 2018-07-11. Review status: criteria provided, single submitter. Criteria: ACMG Guidelines, 2015. Collection method: clinical testing. Allele origin: maternal. Affected: yes.
Comment: This variant was determined to be of uncertain significance according to ACMG Guidelines, 2015 [PMID:25741868].

NM_003737.4(DCHS1):c.5809G>T (p.Ala1937Ser)

Gene: DCHS1 (dachsous cadherin-related 1; minus strand). Cytogenetic location: 11p15.4.
Variant type: single nucleotide variant.
Coding change: c.5809G>T on transcript NM_003737.4 (MANE Select); coding-DNA position 5809, G replaced by T.
Protein change: p.Ala1937Ser; replaces alanine 1937 with serine.
Molecular consequence: missense variant.
Genome position (GRCh38, 1-based): chr11:6,627,230, C>A on the plus strand (G>T on the coding strand, the complement: DCHS1 is on the minus strand). VCF-style: chr11-6627230-C-A. GRCh37 (hg19) VCF-style: chr11-6648461-C-A.
Other names: c.5809G>T (NM_003737.2); short protein forms A1937S.
Identifiers: ClinVar variation 1033607 (VCV001033607.6), dbSNP rs766811278, ClinGen allele CA5860022.